The following is an entry in ClinVar:

NM_000553.6(WRN):c.1079A>G (p.Glu360Gly)

Gene: WRN (WRN RecQ like helicase; plus strand). Cytogenetic location: 8p12.
Variant type: single nucleotide variant.
Coding change: c.1079A>G on transcript NM_000553.6 (MANE Select); coding-DNA position 1079, A replaced by G.
Protein change: p.Glu360Gly; replaces glutamic acid 360 with glycine.
Molecular consequence: missense variant.
Genome position (GRCh38, 1-based): chr8:31,081,106, A>G. VCF-style: chr8-31081106-A-G. GRCh37 (hg19) VCF-style: chr8-30938622-A-G.
Other names: short protein forms E360G.
Identifiers: ClinVar variation 1522590 (VCV001522590.8), dbSNP rs2130119584, ClinGen allele CA370920594.
Genomic context (GRCh38, chr8:31,081,106, plus strand): 5'-TTCACGTTGAAGATGAAACATGGGACCCAACACTTGATCATTTAGCTAAACATGATGGAG[A>G]AGATGTACTTGGAAATAAAGTGGAACGAAAAGAAGATGGATTTGAAGATGGAGTAGAAGA-3'
Protein context (NP_000544.2, residues 350-370): TLDHLAKHDG[Glu360Gly]DVLGNKVERK

ClinVar aggregate classification (germline): Uncertain significance (1 of 4 stars; one submission).

Conditions:
Werner syndrome (WRN). Identifiers: Orphanet 902, MedGen C0043119, MONDO:0010196, OMIM 277700.

Allele frequency attached by ClinVar (database versions not stated): gnomAD exomes below 0.00001.

Submission:

Labcorp Genetics (formerly Invitae), Labcorp
Classification: Uncertain significance for Werner syndrome. Last evaluated: 2022-01-28. Review status: criteria provided, single submitter. Criteria: Invitae Variant Classification Sherloc (09022015). Collection method: clinical testing. Allele origin: germline.
Comment: In summary, the available evidence is currently insufficient to determine the role of this variant in disease. Therefore, it has been classified as a Variant of Uncertain Significance. Algorithms developed to predict the effect of missense changes on protein structure and function output the following: SIFT: "Not Available"; PolyPhen-2: "Benign"; Align-GVGD: "Not Available". The glycine amino acid residue is found in multiple mammalian species, which suggests that this missense change does not adversely affect protein function. This variant has not been reported in the literature in individuals affected with WRN-related conditions. This variant is not present in population databases (gnomAD no frequency). This sequence change replaces glutamic acid, which is acidic and polar, with glycine, which is neutral and non-polar, at codon 360 of the WRN protein (p.Glu360Gly).